The following is an entry in ClinVar:

NC_000019.10:g.48968420T>C

Genes: FTL (ferritin light chain; plus strand), GYS1 (glycogen synthase 1; minus strand), LOC130064893 (ATAC-STARR-seq lymphoblastoid active region 14920; plus strand). Cytogenetic location: 19q13.33.
Variant type: single nucleotide variant.
Molecular consequence: 3 prime UTR variant (on NM_002103.5). On other transcripts: non-coding transcript variant (1).
Genome position: GRCh38 VCF-style: chr19-48968420-T-C. GRCh37 (hg19) VCF-style: chr19-49471677-T-C.
Other names: c.*868A>G (NM_001161587.2, NM_002103.5).
Identifiers: ClinVar variation 329793 (VCV000329793.7), dbSNP rs571576339, ClinGen allele CA9562631.
Genomic context (GRCh38, chr19:48,968,420, plus strand): 5'-AAGGGATCAGTATGCAGTAACGTGGTAAGGTTCCAGATCTAGAAGCCAGGACCTAGAACC[T>C]AGTGGTTTCACAGTGGGCAGAGCAGTTGGGAATAAGCCAGGTTAGGGGTGGGGGAAGACA-3'

ClinVar aggregate classification (germline): Likely benign (0 of 4 stars; one submission).

Conditions:
FTL-related disorder. Also called: FTL-related condition.

Allele frequency attached by ClinVar (database versions not stated): 1000 Genomes Project 30x 0.00047; ExAC 0.00073; TOPMed 0.00074; gnomAD 0.00084 and 0.00083; gnomAD exomes 0.00105 and 0.00093; 1000 Genomes Project 0.00060.
gnomAD v4.1: 435 of 454,456 alleles (0.096%); highest among the groups gnomAD compares: Non-Finnish European, 0.15%; 1 homozygote.

Submission:

PreventionGenetics, part of Exact Sciences
Classification: Likely benign for FTL-related condition. Last evaluated: 2021-06-17. Review status: no assertion criteria provided. Collection method: clinical testing. Allele origin: germline.
Comment: This variant is classified as likely benign based on ACMG/AMP sequence variant interpretation guidelines (Richards et al. 2015 PMID: 25741868, with internal and published modifications).